The following is an entry in ClinVar:

NM_152564.5(VPS13B):c.9874G>C (p.Val3292Leu)

Gene: VPS13B (vacuolar protein sorting 13 homolog B; plus strand). Cytogenetic location: 8q22.2.
Variant type: single nucleotide variant.
Coding change: c.9874G>C on transcript NM_152564.5 (MANE Select); coding-DNA position 9874, G replaced by C.
Protein change: p.Val3292Leu; replaces valine 3292 with leucine.
Molecular consequence: missense variant.
Genome position (GRCh38, 1-based): chr8:99,835,670, G>C. VCF-style: chr8-99835670-G-C. GRCh37 (hg19) VCF-style: chr8-100847898-G-C.
Other names: c.9949G>C, p.Val3317Leu (NM_017890.5); short protein forms V3292L, V3317L.
Identifiers: ClinVar variation 5001550 (VCV005001550.1).
Genomic context (GRCh38, chr8:99,835,670, plus strand): 5'-CAGATTTCCAGTTATCCGGACTGCAAGACCAAAGACTTACTTCCAAGCCTACTTTTGAGA[G>C]TTGAACCTCTAGATGAAGTAACAACTGAGTGGAGTGATGCCATTGACATCAACAGTCAGG-3'
Protein context (NP_689777.3, residues 3282-3302): KDLLPSLLLR[Val3292Leu]EPLDEVTTEW

ClinVar aggregate classification (germline): Uncertain significance (1 of 4 stars; one submission).

Conditions:
VPS13B-related disorder. Also called: VPS13B-related condition.

Submission:

PreventionGenetics, part of Exact Sciences
Classification: Uncertain significance for VPS13B-related condition. Last evaluated: 2025-03-30. Review status: criteria provided, single submitter. Criteria: ACMG Guidelines, 2015. Collection method: clinical testing. Allele origin: germline.
Comment: The VPS13B c.9874G>C variant is predicted to result in the amino acid substitution p.Val3292Leu. To our knowledge, this variant has not been reported in the literature. This variant is reported in 0.0062% of alleles in individuals of African descent in gnomAD. At this time, the clinical significance of this variant is uncertain due to the absence of conclusive functional and genetic evidence.